The following is an entry in ClinVar:

NM_001242957.3(MAK):c.45dup (p.Gly16fs)

Gene: MAK (male germ cell associated kinase; minus strand). Cytogenetic location: 6p24.2.
Variant type: Duplication.
Coding change: c.45dup on transcript NM_001242957.3 (MANE Select); coding-DNA position 45, one base duplicated (T; older notation c.45dupT).
Protein change: p.Gly16fs; shifts the reading frame from glycine 16.
Molecular consequence: frameshift variant. On other transcripts: non-coding transcript variant (2), intron variant (1).
Genome position (GRCh38, 1-based): chr6:10,830,604, A duplicated on the plus strand (T on the coding strand, the reverse complement: MAK is on the minus strand). VCF-style (leftmost placement, unchanged base first): chr6-10830603-C-CA. GRCh37 (hg19) VCF-style: chr6-10830836-C-CA.
Other names: c.45dup, p.Gly16fs (NM_001242385.2, NM_005906.6); c.-2+7899dup (NM_001377262.1); short protein forms G16fs.
Identifiers: ClinVar variation 2717236 (VCV002717236.3), dbSNP rs2532654151, ClinGen allele CA2697546638.
Genomic context (GRCh38, chr6:10,830,603, plus strand): 5'-AGTACCTTTTGATGGCCACCAGCTCCCCGGATTCATTACTCTTGCCCATAAGCACACTCC[C>CA]ATACGTGCCGTCCCCCAACTGTCTCATGGTTGTGTATCGGTTCATCTTGGAAAAATAATG-3'

ClinVar aggregate classification (germline): Pathogenic (1 of 4 stars; one submission).

Submission:

Labcorp Genetics (formerly Invitae), Labcorp
Classification: Pathogenic. Last evaluated: 2023-07-07. Review status: criteria provided, single submitter. Criteria: Invitae Variant Classification Sherloc (09022015). Collection method: clinical testing. Allele origin: germline.
Comment: This sequence change creates a premature translational stop signal (p.Gly16Trpfs*9) in the MAK gene. It is expected to result in an absent or disrupted protein product. Loss-of-function variants in MAK are known to be pathogenic (PMID: 21148103, 21825139, 24938718, 29781741). For these reasons, this variant has been classified as Pathogenic. This variant has not been reported in the literature in individuals affected with MAK-related conditions. This variant is not present in population databases (gnomAD no frequency).

Literature cited by the submitters: PubMed 21148103; PubMed 21825139; PubMed 24938718; PubMed 29781741.